The following is an entry in ClinVar:

ClinVar aggregate classification (germline): Uncertain significance (1 of 4 stars; one submission).

Conditions:
Charcot-Marie-Tooth disease axonal type 2O. Also called: Charcot-Marie-Tooth disease, axonal, type 20; CHARCOT-MARIE-TOOTH NEUROPATHY, AXONAL, TYPE 2O; CHARCOT-MARIE-TOOTH DISEASE, AXONAL, AUTOSOMAL DOMINANT, TYPE 2O; Charcot-Marie-Tooth Neuropathy Type 2O. Identifiers: Orphanet 284232, MedGen C3280220, MONDO:0013644, OMIM 614228.

Submission:

Labcorp Genetics (formerly Invitae), Labcorp
Classification: Uncertain significance for Charcot-Marie-Tooth disease axonal type 2O. Last evaluated: 2025-02-04. Review status: criteria provided, single submitter. Criteria: Invitae Variant Classification Sherloc (09022015). Collection method: clinical testing. Allele origin: germline.
Comment: This sequence change replaces leucine, which is neutral and non-polar, with glutamine, which is neutral and polar, at codon 1290 of the DYNC1H1 protein (p.Leu1290Gln). This variant is not present in population databases (gnomAD no frequency). This variant has not been reported in the literature in individuals affected with DYNC1H1-related conditions. Invitae Evidence Modeling of protein sequence and biophysical properties (such as structural, functional, and spatial information, amino acid conservation, physicochemical variation, residue mobility, and thermodynamic stability) indicates that this missense variant is expected to disrupt DYNC1H1 protein function with a positive predictive value of 95%. In summary, the available evidence is currently insufficient to determine the role of this variant in disease. Therefore, it has been classified as a Variant of Uncertain Significance.

NM_001376.5(DYNC1H1):c.3869T>A (p.Leu1290Gln)

Gene: DYNC1H1 (dynein cytoplasmic 1 heavy chain 1; plus strand). Cytogenetic location: 14q32.31.
Variant type: single nucleotide variant.
Coding change: c.3869T>A on transcript NM_001376.5 (MANE Select); coding-DNA position 3869, T replaced by A.
Protein change: p.Leu1290Gln; replaces leucine 1290 with glutamine.
Molecular consequence: missense variant.
Genome position (GRCh38, 1-based): chr14:102,000,053, T>A. VCF-style: chr14-102000053-T-A. GRCh37 (hg19) VCF-style: chr14-102466390-T-A.
Other names: short protein forms L1290Q.
Identifiers: ClinVar variation 3636138 (VCV003636138.2).